The following is an entry in ClinVar:

NM_016247.4(IMPG2):c.1310del (p.Phe437fs)

Gene: IMPG2 (interphotoreceptor matrix proteoglycan 2; minus strand). Cytogenetic location: 3q12.3.
Variant type: Deletion.
Coding change: c.1310del on transcript NM_016247.4 (MANE Select); coding-DNA position 1310, one base deleted (T; older notation c.1310delT).
Protein change: p.Phe437fs; shifts the reading frame from phenylalanine 437.
Molecular consequence: frameshift variant.
Genome position (GRCh38, 1-based): chr3:101,246,035, A deleted on the plus strand (T on the coding strand, the reverse complement: IMPG2 is on the minus strand); the first of 3 consecutive A bases (chr3:101,246,035-101,246,037); deleting any one gives the same sequence. VCF-style (leftmost placement, unchanged base first): chr3-101246034-GA-G. GRCh37 (hg19) VCF-style: chr3-100964878-GA-G.
Other names: short protein forms F437fs.
Identifiers: ClinVar variation 4851581 (VCV004851581.2).

ClinVar aggregate classification (germline): Pathogenic/Likely pathogenic. Review status: criteria provided, multiple submitters, no conflicts (2 of 4 stars). 2 submissions from 2 submitters: Pathogenic (1); Likely pathogenic (1). Last evaluated 2025-10-22.

Conditions:
IMPG2-related disorders.
Retinitis pigmentosa 56 (RP56). Identifiers: Orphanet 791, MedGen C3150819, MONDO:0013314, OMIM 613581.

Submissions (2):

CGC Genetics, Unilabs
Classification: Pathogenic for Retinitis pigmentosa 56. Last evaluated: 2025-10-22. Review status: criteria provided, single submitter. Criteria: ACMG Guidelines, 2015. Collection method: clinical testing. Allele origin: germline. Inheritance: Autosomal recessive inheritance. Affected: yes. Observed: 1 variant allele.
Comment: The NM_016247.4:c.1310del p.(Phe437Serfs*22) variant, detected in probable homozygosity in exon 12 (of 19) of the IMPG2 gene (chr.3), is described in the literature, in homozygosity, in a patient with retinitis pigmentosa (PMID: 37322672). This variant is not described in the ClinVar database or in the gnomAD population database. This is a frameshift variant that introduces a premature stop codon, which in turn is predicted to lead to the creation of a truncated protein and/or a reduction of its expression by mRNA degradation. Based on currently available information and current classification guidelines, this variant should be classified as pathogenic.

Blueprint Genetics
Classification: Likely pathogenic for IMPG2-related disorders. Last evaluated: 2020-03-24. Review status: criteria provided, single submitter. Criteria: ACMG Guidelines, 2015. Collection method: clinical testing. Allele origin: germline. Affected: yes. Observed: 2 variant alleles.

Literature cited by the submitters: PubMed 37322672 (cited by CGC Genetics, Unilabs).